The following is an entry in ClinVar:

ClinVar aggregate classification (germline): Uncertain significance (1 of 4 stars; one submission).

Submission:

Dasa
Classification: Uncertain significance. Last evaluated: 2025-05-25. Review status: criteria provided, single submitter. Criteria: DASA Assertion Criteria. Collection method: clinical testing. Allele origin: germline.
Comment: NM_003185.4(TAF4):c.3222C>G (p.Ser1074Arg) is a missense variant that results in the substitution of serine with arginine. This variant is absent from population databases. The currently available literature and clinical evidence are not sufficient to establish a definitive association between this variant and the reported condition. Therefore, this variant is classified as a variant of uncertain significance.

NM_003185.4(TAF4):c.3222C>G (p.Ser1074Arg)

Gene: TAF4 (TATA-box binding protein associated factor 4; minus strand). Cytogenetic location: 20q13.33.
Variant type: single nucleotide variant.
Coding change: c.3222C>G on transcript NM_003185.4 (MANE Select); coding-DNA position 3222, C replaced by G.
Protein change: p.Ser1074Arg; replaces serine 1074 with arginine.
Molecular consequence: missense variant.
Genome position (GRCh38, 1-based): chr20:61,976,204, G>C on the plus strand (C>G on the coding strand, the complement: TAF4 is on the minus strand). VCF-style: chr20-61976204-G-C. GRCh37 (hg19) VCF-style: chr20-60551260-G-C.
Other names: short protein forms S1074R.
Identifiers: ClinVar variation 4886168 (VCV004886168.2).